The following is an entry in ClinVar:

NM_033026.6(PCLO):c.13528+8A>G

Gene: PCLO (piccolo presynaptic cytomatrix protein; minus strand). Cytogenetic location: 7q21.11.
Variant type: single nucleotide variant.
Coding change: c.13528+8A>G on transcript NM_033026.6 (MANE Select); 8 bases into the intron after coding-DNA position 13528, A replaced by G.
Molecular consequence: intron variant.
Genome position (GRCh38, 1-based): chr7:82,902,643, T>C on the plus strand (A>G on the coding strand, the complement: PCLO is on the minus strand). VCF-style: chr7-82902643-T-C. GRCh37 (hg19) VCF-style: chr7-82531959-T-C.
Other names: c.13528+8A>G (NM_014510.3, NM_033026.5).
Identifiers: ClinVar variation 1603732 (VCV001603732.16), dbSNP rs560413459, ClinGen allele CA4319137.

ClinVar aggregate classification (germline): Benign/Likely benign. Review status: criteria provided, multiple submitters, no conflicts (2 of 4 stars). 4 submissions from 4 submitters: Benign (1); Likely benign (2). 1 of the submissions does not count toward it. Last evaluated 2025-12-01.

Conditions:
PCLO-related disorder. Also called: PCLO-related condition.

Allele frequency attached by ClinVar (database versions not stated): gnomAD 0.00001 and 0.00009; TOPMed 0.00004; 1000 Genomes Project 30x 0.00016; 1000 Genomes Project 0.00020; ExAC 0.00057.
gnomAD v4.1: 349 of 1,501,958 alleles (0.023%); highest among the groups gnomAD compares: South Asian, 0.37%; 6 homozygotes.

Submissions (4):

CeGaT Center for Human Genetics Tuebingen
Classification: Likely benign. Last evaluated: 2025-12-01. Review status: criteria provided, single submitter. Criteria: CeGaT Center For Human Genetics Tuebingen Variant Classification Criteria Version 2. Collection method: clinical testing. Allele origin: germline. Affected: yes. Observed: 1 variant allele.
Comment: PCLO: BP4, BS2

Labcorp Genetics (formerly Invitae), Labcorp
Classification: Benign. Last evaluated: 2025-09-07. Review status: criteria provided, single submitter. Criteria: Invitae Variant Classification Sherloc (09022015). Collection method: clinical testing. Allele origin: germline.

Blueprint Genetics
Classification: Likely benign. Last evaluated: 2024-11-26. Review status: criteria provided, single submitter. Criteria: ACMG Guidelines, 2015. Collection method: clinical testing. Allele origin: germline.

PreventionGenetics, part of Exact Sciences
Classification: Likely benign for PCLO-related condition. Last evaluated: 2022-03-16. Review status: no assertion criteria provided. Collection method: clinical testing. Allele origin: germline. Not counted in ClinVar's aggregate classification.
Comment: This variant is classified as likely benign based on ACMG/AMP sequence variant interpretation guidelines (Richards et al. 2015 PMID: 25741868, with internal and published modifications).